The following is an entry in ClinVar:

NM_014055.4(IFT81):c.1188+4799T>C

Gene: IFT81 (intraflagellar transport 81; plus strand). Cytogenetic location: 12q24.11.
Variant type: single nucleotide variant.
Coding change: c.1188+4799T>C on transcript NM_014055.4 (MANE Select); 4799 bases into the intron after coding-DNA position 1188, T replaced by C.
Molecular consequence: intron variant.
Genome position (GRCh38, 1-based): chr12:110,167,864, T>C. VCF-style: chr12-110167864-T-C. GRCh37 (hg19) VCF-style: chr12-110605669-T-C.
Other names: c.258+4799T>C (NM_001347948.2, NM_001347947.2); c.1188+4799T>C (NM_001143779.2); c.1189-7T>C (NM_031473.4, NM_001347946.2).
Identifiers: ClinVar variation 2643286 (VCV002643286.24), dbSNP rs1379083421, ClinGen allele CA607563310.
Genomic context (GRCh38, chr12:110,167,864, plus strand): 5'-CATTGTACGACTCTGTAAGTACAATTTTTTTTTATTTAGGTTTCTTTTTTTTTTTTTTTT[T>C]CCCCAGAGACAGGATCTCACTCTGTCACCCAGGCTGGAGTGCGGTGGTGTGATCATGGCT-3'

ClinVar aggregate classification (germline): Likely benign (1 of 4 stars; one submission).

Allele frequency attached by ClinVar (database versions not stated): gnomAD 0.00010.

Submission:

CeGaT Center for Human Genetics Tuebingen
Classification: Likely benign. Last evaluated: 2026-09-01. Review status: criteria provided, single submitter. Criteria: CeGaT Center For Human Genetics Tuebingen Variant Classification Criteria Version 2. Collection method: clinical testing. Allele origin: germline. Affected: yes. Observed: 2 variant alleles.
Comment: IFT81: BP4, BS2